The following is an entry in ClinVar:

NM_001127511.3(APC):c.-3C>A

Gene: APC (APC regulator of Wnt signaling pathway; plus strand). Cytogenetic location: 5q22.2.
Variant type: single nucleotide variant.
Coding change: c.-3C>A on transcript NM_001127511.3; 3 bases upstream of the start codon, C replaced by A.
Molecular consequence: 5 prime UTR variant. On other transcripts: non-coding transcript variant (1), intron variant (5).
Genome position (GRCh38, 1-based): chr5:112,707,715, C>A. VCF-style: chr5-112707715-C-A. GRCh37 (hg19) VCF-style: chr5-112043412-C-A.
Other names: c.-186C>A (NM_001354895.2, NM_001407447.1, NM_001407452.1 and 3 more transcripts); c.-3C>A (NM_001354897.2, NM_001354902.2, NM_001407446.1); c.-1221C>A (NM_001407470.1, NM_001407472.1); c.-19+66C>A (NM_001407448.1, NM_001407450.1, NM_001407457.1 and 1 more transcripts); c.-43+66C>A (NM_001407453.1).
Identifiers: ClinVar variation 560803 (VCV000560803.9), dbSNP rs771410311, ClinGen allele CA658822490.

ClinVar aggregate classification (germline): Conflicting classifications of pathogenicity. Review status: criteria provided, conflicting classifications (1 of 4 stars). 2 submissions from 2 submitters: Uncertain significance (1); Likely benign (1). Last evaluated 2024-04-16.

Conditions:
Familial adenomatous polyposis 1 (FAP1). Also called: FAMILIAL ADENOMATOUS POLYPOSIS 1, ATTENUATED; POLYPOSIS, ADENOMATOUS INTESTINAL. Identifiers: MedGen C2713442, MONDO:0021056, OMIM 175100. Disease mechanism: loss of function.

Submissions (2):

Labcorp Genetics (formerly Invitae), Labcorp
Classification: Uncertain significance for Familial adenomatous polyposis 1. Last evaluated: 2024-04-16. Review status: criteria provided, single submitter. Criteria: Invitae Variant Classification Sherloc (09022015). Collection method: clinical testing. Allele origin: germline.
Comment: This variant occurs in a non-coding region of the APC gene. It does not change the encoded amino acid sequence of the APC protein. This variant is not present in population databases (gnomAD no frequency). This variant has not been reported in the literature in individuals affected with APC-related conditions. Experimental studies and prediction algorithms are not available or were not evaluated, and the functional significance of this variant is currently unknown. In summary, the available evidence is currently insufficient to determine the role of this variant in disease. Therefore, it has been classified as a Variant of Uncertain Significance.

PreventionGenetics, part of Exact Sciences
Classification: Likely benign. Last evaluated: 2016-12-30. Review status: criteria provided, single submitter. Criteria: ACMG Guidelines, 2015. Collection method: clinical testing. Allele origin: germline.